The following is an entry in ClinVar:

NM_001615.4(ACTG2):c.588G>T (p.Glu196Asp)

Gene: ACTG2 (actin gamma 2, smooth muscle; plus strand). Cytogenetic location: 2p13.1.
Variant type: single nucleotide variant.
Coding change: c.588G>T on transcript NM_001615.4 (MANE Select); coding-DNA position 588, G replaced by T.
Protein change: p.Glu196Asp; replaces glutamic acid 196 with aspartic acid.
Molecular consequence: missense variant.
Genome position (GRCh38, 1-based): chr2:73,913,621, G>T. VCF-style: chr2-73913621-G-T. GRCh37 (hg19) VCF-style: chr2-74140748-G-T.
Other names: c.459G>T, p.Glu153Asp (NM_001199893.2); short protein forms E196D, E153D.
Identifiers: ClinVar variation 427095 (VCV000427095.2), dbSNP rs140943831, ClinGen allele CA347304030.

ClinVar aggregate classification (germline): Likely pathogenic (1 of 4 stars; one submission).

Submission:

GeneDx
Classification: Likely pathogenic. Last evaluated: 2015-06-12. Review status: criteria provided, single submitter. Criteria: GeneDx Variant Classification (06012015). Collection method: clinical testing. Allele origin: germline. Affected: yes.
Comment: The E196D variant in the ACTG2 gene has not been reported previously as a disease-causing variant nor as a benign polymorphism, to our knowledge. The E196D variant was not observed in approximately 6500 individuals of European and African American ancestry in the NHLBI Exome Sequencing Project, indicating it is not a common benign variant in these populations. The E196D variant is a conservative amino acid substitution, which is not likely to impact secondary protein structure as these residues share similar properties. This substitution occurs at a position that is conserved across species. In silico analysis is inconsistent in its predictions as to whether or not the variant is damaging to the protein structure/function. However, a missense variant in a nearby residue (G198D) has been reported in the Human Gene Mutation Database in association with an ACTG2-related visceral myopathy (Stenson et al., 2014), supporting the functional importance of this region of the protein. The E196D variant is a strong candidate for a disease-causing variant, however the possibility that it may be a rare benign variant cannot be excluded.